The following is an entry in ClinVar:

ClinVar aggregate classification (germline): Uncertain significance. Review status: criteria provided, multiple submitters, no conflicts (2 of 4 stars). 2 submissions from 2 submitters: Uncertain significance (2). Last evaluated 2024-12-31.

Conditions:
Hereditary nonpolyposis colorectal neoplasms. Identifiers: MedGen C0009405, MeSH D003123.
Hereditary cancer-predisposing syndrome. Also called: Neoplastic Syndromes, Hereditary; Tumor predisposition; Hereditary neoplastic syndrome; Hereditary Cancer Syndrome. Identifiers: Orphanet 140162, MedGen C0027672, MeSH D009386, MONDO:0015356.

Submissions (2):

Labcorp Genetics (formerly Invitae), Labcorp
Classification: Uncertain significance for Hereditary nonpolyposis colorectal neoplasms. Last evaluated: 2024-12-31. Review status: criteria provided, single submitter. Criteria: Invitae Variant Classification Sherloc (09022015). Collection method: clinical testing. Allele origin: germline.
Comment: This sequence change replaces arginine, which is basic and polar, with glycine, which is neutral and non-polar, at codon 1331 of the MSH6 protein (p.Arg1331Gly). This variant is not present in population databases (gnomAD no frequency). This variant has not been reported in the literature in individuals affected with MSH6-related conditions. ClinVar contains an entry for this variant (Variation ID: 824464). Invitae Evidence Modeling of protein sequence and biophysical properties (such as structural, functional, and spatial information, amino acid conservation, physicochemical variation, residue mobility, and thermodynamic stability) indicates that this missense variant is not expected to disrupt MSH6 protein function with a negative predictive value of 95%. Algorithms developed to predict the effect of sequence changes on RNA splicing suggest that this variant may disrupt the consensus splice site. In summary, the available evidence is currently insufficient to determine the role of this variant in disease. Therefore, it has been classified as a Variant of Uncertain Significance.

Ambry Genetics
Classification: Uncertain significance for Hereditary cancer-predisposing syndrome. Last evaluated: 2023-12-29. Review status: criteria provided, single submitter. Criteria: Ambry Variant Classification Scheme 2023. Collection method: clinical testing. Allele origin: germline.
Comment: The p.R1331G variant (also known as c.3991C>G), located in coding exon 9 of the MSH6 gene, results from a C to G substitution at nucleotide position 3991. The arginine at codon 1331 is replaced by glycine, an amino acid with dissimilar properties. This amino acid position is not well conserved in available vertebrate species. In addition, this alteration is predicted to be deleterious by in silico analysis. Since supporting evidence is limited at this time, the clinical significance of this alteration remains unclear.

NM_000179.3(MSH6):c.3991C>G (p.Arg1331Gly)

Gene: MSH6 (mutS homolog 6; plus strand). Cytogenetic location: 2p16.3.
Variant type: single nucleotide variant.
Coding change: c.3991C>G on transcript NM_000179.3 (MANE Select); coding-DNA position 3991, C replaced by G.
Protein change: p.Arg1331Gly; replaces arginine 1331 with glycine.
Molecular consequence: missense variant.
Genome position (GRCh38, 1-based): chr2:47,806,641, C>G. VCF-style: chr2-47806641-C-G. GRCh37 (hg19) VCF-style: chr2-48033780-C-G.
Other names: c.3601C>G, p.Arg1201Gly (NM_001281492.2); c.3085C>G, p.Arg1029Gly (NM_001281493.2, NM_001281494.2); short protein forms R1331G, R1029G, R1201G.
Identifiers: ClinVar variation 824464 (VCV000824464.14), dbSNP rs267608094, ClinGen allele CA346761593.